The following is an entry in ClinVar:

ClinVar aggregate classification (germline): Pathogenic (1 of 4 stars; one submission).

Submission:

CeGaT Center for Human Genetics Tuebingen
Classification: Pathogenic. Last evaluated: 2024-04-01. Review status: criteria provided, single submitter. Criteria: CeGaT Center For Human Genetics Tuebingen Variant Classification Criteria Version 2. Collection method: clinical testing. Allele origin: germline. Affected: yes. Observed: 1 variant allele.
Comment: PIEZO2: PVS1, PM2

NM_001378183.1(PIEZO2):c.1065G>A (p.Trp355Ter)

Gene: PIEZO2 (piezo type mechanosensitive ion channel component 2; minus strand). Cytogenetic location: 18p11.22.
Variant type: single nucleotide variant.
Coding change: c.1065G>A on transcript NM_001378183.1 (MANE Select); coding-DNA position 1065, G replaced by A.
Protein change: p.Trp355Ter; replaces tryptophan 355 with a stop codon.
Molecular consequence: nonsense.
Genome position (GRCh38, 1-based): chr18:10,807,127, C>T on the plus strand (G>A on the coding strand, the complement: PIEZO2 is on the minus strand). VCF-style: chr18-10807127-C-T. GRCh37 (hg19) VCF-style: chr18-10807125-C-T.
Other names: c.1065G>A, p.Trp355Ter (NM_001410871.1, NM_022068.4); short protein forms W355*.
Identifiers: ClinVar variation 3234561 (VCV003234561.20), dbSNP rs2510802345, ClinGen allele CA401926654.